The following is an entry in ClinVar:

NM_000059.4(BRCA2):c.4792C>T (p.Leu1598Phe)

Gene: BRCA2 (BRCA2 DNA repair associated; plus strand). Cytogenetic location: 13q13.1.
Variant type: single nucleotide variant.
Coding change: c.4792C>T on transcript NM_000059.4 (MANE Select); coding-DNA position 4792, C replaced by T.
Protein change: p.Leu1598Phe; replaces leucine 1598 with phenylalanine.
Molecular consequence: missense variant. On other transcripts: non-coding transcript variant (1), intron variant (2).
Genome position (GRCh38, 1-based): chr13:32,339,147, C>T. VCF-style: chr13-32339147-C-T. GRCh37 (hg19) VCF-style: chr13-32913284-C-T.
Other names: c.4792C>T, p.Leu1598Phe (NM_001406719.1, NM_001406720.1); c.1910-5411C>T (NM_001406721.1); c.425-5411C>T (NM_001406722.1); short protein forms L1598F.
Identifiers: ClinVar variation 2808219 (VCV002808219.3), dbSNP rs2137510258, ClinGen allele CA387783240.

ClinVar aggregate classification (germline): Uncertain significance (1 of 4 stars; one submission).

Conditions:
Hereditary breast ovarian cancer syndrome. Also called: Hereditary breast and ovarian cancer; Hereditary breast and ovarian cancer syndrome; Breast and ovarian cancer; BRCA1- and BRCA2-Associated Hereditary Breast and Ovarian Cancer; Hereditary breast and ovarian cancer syndrome (HBOC); Hereditary breast and/or ovarian cancer syndrome. Identifiers: Orphanet 145, MedGen C0677776, MeSH D061325, MONDO:0003582. Disease mechanism: loss of function.

Submission:

Labcorp Genetics (formerly Invitae), Labcorp
Classification: Uncertain significance for Hereditary breast ovarian cancer syndrome. Last evaluated: 2023-12-12. Review status: criteria provided, single submitter. Criteria: Invitae Variant Classification Sherloc (09022015). Collection method: clinical testing. Allele origin: germline.
Comment: This sequence change replaces leucine, which is neutral and non-polar, with phenylalanine, which is neutral and non-polar, at codon 1598 of the BRCA2 protein (p.Leu1598Phe). This variant is not present in population databases (gnomAD no frequency). This variant has not been reported in the literature in individuals affected with BRCA2-related conditions. Advanced modeling of protein sequence and biophysical properties (such as structural, functional, and spatial information, amino acid conservation, physicochemical variation, residue mobility, and thermodynamic stability) performed at Invitae indicates that this missense variant is not expected to disrupt BRCA2 protein function with a negative predictive value of 95%. In summary, the available evidence is currently insufficient to determine the role of this variant in disease. Therefore, it has been classified as a Variant of Uncertain Significance.